The following is an entry in ClinVar:

NM_001854.4(COL11A1):c.2395G>A (p.Gly799Arg)

Gene: COL11A1 (collagen type XI alpha 1 chain; minus strand). Cytogenetic location: 1p21.1.
Variant type: single nucleotide variant.
Coding change: c.2395G>A on transcript NM_001854.4 (MANE Select); coding-DNA position 2395, G replaced by A.
Protein change: p.Gly799Arg; replaces glycine 799 with arginine.
Molecular consequence: missense variant. On other transcripts: non-coding transcript variant (1).
Genome position (GRCh38, 1-based): chr1:102,987,740, C>T on the plus strand (G>A on the coding strand, the complement: COL11A1 is on the minus strand). VCF-style: chr1-102987740-C-T. GRCh37 (hg19) VCF-style: chr1-103453296-C-T.
Other names: c.2278G>A, p.Gly760Arg (NM_001190709.2); c.2431G>A, p.Gly811Arg (NM_080629.3); c.2047G>A, p.Gly683Arg (NM_080630.4); short protein forms G811R, G683R, G799R, G760R.
Identifiers: ClinVar variation 1379932 (VCV001379932.6), dbSNP rs745911557, ClinGen allele CA974437.

ClinVar aggregate classification (germline): Uncertain significance (1 of 4 stars; one submission).

Allele frequency attached by ClinVar (database versions not stated): gnomAD exomes below 0.00001; ExAC 0.00001.
gnomAD v4.1: 1 of 1,610,640 alleles (0.000062%); highest among the groups gnomAD compares: Non-Finnish European, 0.000085%; no homozygotes.

Submission:

Labcorp Genetics (formerly Invitae), Labcorp
Classification: Uncertain significance. Last evaluated: 2021-11-15. Review status: criteria provided, single submitter. Criteria: Invitae Variant Classification Sherloc (09022015). Collection method: clinical testing. Allele origin: germline.
Comment: In summary, the available evidence is currently insufficient to determine the role of this variant in disease. Therefore, it has been classified as a Variant of Uncertain Significance. Algorithms developed to predict the effect of missense changes on protein structure and function are either unavailable or do not agree on the potential impact of this missense change (SIFT: "Deleterious"; PolyPhen-2: "Not Available"; Align-GVGD: "Class C65"). This variant has not been reported in the literature in individuals affected with COL11A1-related conditions. This variant is present in population databases (rs745911557, gnomAD 0.0009%). This sequence change replaces glycine, which is neutral and non-polar, with arginine, which is basic and polar, at codon 799 of the COL11A1 protein (p.Gly799Arg).